The following is an entry in ClinVar:

NM_004924.6(ACTN4):c.1394C>T (p.Ala465Val)

Gene: ACTN4 (actinin alpha 4; plus strand). Cytogenetic location: 19q13.2.
Variant type: single nucleotide variant.
Coding change: c.1394C>T on transcript NM_004924.6 (MANE Select); coding-DNA position 1394, C replaced by T.
Protein change: p.Ala465Val; replaces alanine 465 with valine.
Molecular consequence: missense variant.
Genome position (GRCh38, 1-based): chr19:38,721,640, C>T. VCF-style: chr19-38721640-C-T. GRCh37 (hg19) VCF-style: chr19-39212280-C-T.
Other names: c.1394C>T, p.Ala465Val (NM_001322033.2, NM_001411143.1, NM_001440296.1 and 2 more transcripts); c.1142C>T, p.Ala381Val (NM_001440299.1); short protein forms A381V, A465V.
Identifiers: ClinVar variation 4704887 (VCV004704887.1).
Genomic context (GRCh38, chr19:38,721,640, plus strand): 5'-CACTATCGGACATCAAAGCCCTCATTCGCAAGCACGAGGCCTTCGAGAGCGACCTGGCTG[C>T]GCACCAGGACCGCGTGGAGCAGATCGCCGCCATTGCCCAGGAGCTCAAGTACGTGCGGGC-3'
Protein context (NP_004915.2, residues 455-475): KHEAFESDLA[Ala465Val]HQDRVEQIAA

ClinVar aggregate classification (germline): Uncertain significance (1 of 4 stars; one submission).

gnomAD v4.1: 8 of 1,613,828 alleles (0.0005%); highest among the groups gnomAD compares: South Asian, 0.0022%; no homozygotes.

Submission:

Labcorp Genetics (formerly Invitae), Labcorp
Classification: Uncertain significance. Last evaluated: 2025-04-03. Review status: criteria provided, single submitter. Criteria: Invitae Variant Classification Sherloc (09022015). Collection method: clinical testing. Allele origin: germline.
Comment: This sequence change replaces alanine, which is neutral and non-polar, with valine, which is neutral and non-polar, at codon 465 of the ACTN4 protein (p.Ala465Val). This variant is present in population databases (rs753703237, gnomAD 0.003%). This variant has not been reported in the literature in individuals affected with ACTN4-related conditions. Invitae Evidence Modeling of protein sequence and biophysical properties (such as structural, functional, and spatial information, amino acid conservation, physicochemical variation, residue mobility, and thermodynamic stability) indicates that this missense variant is not expected to disrupt ACTN4 protein function with a negative predictive value of 80%. In summary, the available evidence is currently insufficient to determine the role of this variant in disease. Therefore, it has been classified as a Variant of Uncertain Significance.